The following is an entry in ClinVar:

ClinVar aggregate classification (germline): Pathogenic (1 of 4 stars; one submission).

Submission:

Labcorp Genetics (formerly Invitae), Labcorp
Classification: Pathogenic. Last evaluated: 2021-02-02. Review status: criteria provided, single submitter. Criteria: Invitae Variant Classification Sherloc (09022015). Collection method: clinical testing. Allele origin: germline.
Comment: For these reasons, this variant has been classified as Pathogenic. This variant has not been reported in the literature in individuals with WNT1-related conditions. This variant is not present in population databases (ExAC no frequency). This sequence change creates a premature translational stop signal (p.Pro160Argfs*15) in the WNT1 gene. It is expected to result in an absent or disrupted protein product. Loss-of-function variants in WNT1 are known to be pathogenic (PMID: 23434763, 23499309).

Literature cited by the submitters: PubMed 23434763; PubMed 23499309.

NM_005430.4(WNT1):c.479_480del (p.Pro160fs)

Gene: WNT1 (Wnt family member 1; plus strand). Cytogenetic location: 12q13.12.
Variant type: Deletion.
Coding change: c.479_480del on transcript NM_005430.4 (MANE Select); coding-DNA positions 479 to 480, 2 bases deleted (CC; older notation c.479_480delCC).
Protein change: p.Pro160fs; shifts the reading frame from proline 160.
Molecular consequence: frameshift variant.
Genome position (GRCh38, 1-based): chr12:48,980,544-48,980,545, CC deleted; deleting any 2 consecutive bases within chr12:48,980,542-48,980,545 gives the same sequence; the c. name uses the placement nearest the transcript's 3' end. VCF-style (leftmost placement, unchanged base first): chr12-48980541-GCC-G. GRCh37 (hg19) VCF-style: chr12-49374324-GCC-G.
Other names: short protein forms P160fs.
Identifiers: ClinVar variation 1388996 (VCV001388996.6), dbSNP rs2137624355, ClinGen allele CA2573148645.